The following is an entry in ClinVar:

ClinVar aggregate classification (germline): Likely pathogenic (1 of 4 stars; one submission).

Conditions:
AFG2A-related disorder. Also called: AFG2A-related condition.

Allele frequency attached by ClinVar (database versions not stated): gnomAD exomes below 0.00001; TOPMed below 0.00001; gnomAD 0.00001.

Submission:

PreventionGenetics, part of Exact Sciences
Classification: Likely pathogenic for AFG2A-related condition. Last evaluated: 2026-03-13. Review status: criteria provided, single submitter. Criteria: ACMG Guidelines, 2015. Collection method: clinical testing. Allele origin: germline.
Comment: The AFG2A c.513delG variant is predicted to result in a frameshift and premature protein termination (p.Ile172Leufs*24). To our knowledge, this variant has not been reported in the literature or in a large population database (gnomAD), indicating this variant is rare. Frameshift variants in SPATA5 are expected to be pathogenic. This variant is interpreted as likely pathogenic.

NM_145207.3(AFG2A):c.513del (p.Ile172fs)

Gene: AFG2A (AAA ATPase AFG2A; plus strand). Cytogenetic location: 4q28.1.
Variant type: Deletion.
Coding change: c.513del on transcript NM_145207.3 (MANE Select); coding-DNA position 513, one base deleted (G; older notation c.513delG).
Protein change: p.Ile172fs; shifts the reading frame from isoleucine 172.
Molecular consequence: frameshift variant.
Genome position (GRCh38, 1-based): chr4:122,934,104, G deleted. VCF-style (leftmost placement, unchanged base first): chr4-122934103-AG-A. GRCh37 (hg19) VCF-style: chr4-123855258-AG-A.
Other names: c.510del, p.Ile171fs (NM_001317799.2, NM_001345856.2); short protein forms I171fs, I172fs.
Identifiers: ClinVar variation 2630298 (VCV002630298.2), dbSNP rs1423563495, ClinGen allele CA786417539.